The following is an entry in ClinVar:

ClinVar aggregate classification (germline): Uncertain significance (1 of 4 stars; one submission).

Submission:

Labcorp Genetics (formerly Invitae), Labcorp
Classification: Uncertain significance. Last evaluated: 2021-10-17. Review status: criteria provided, single submitter. Criteria: Invitae Variant Classification Sherloc (09022015). Collection method: clinical testing. Allele origin: germline.
Comment: This sequence change replaces proline with serine at codon 63 of the C3 protein (p.Pro63Ser). The proline residue is highly conserved and there is a moderate physicochemical difference between proline and serine. This variant is not present in population databases (ExAC no frequency). This variant has not been reported in the literature in individuals affected with C3-related conditions. Algorithms developed to predict the effect of missense changes on protein structure and function are either unavailable or do not agree on the potential impact of this missense change (SIFT: "Deleterious"; PolyPhen-2: "Possibly Damaging"; Align-GVGD: "Class C0"). This variant disrupts the p.Pro63 amino acid residue in C3. Other variant(s) that disrupt this residue have been determined to be pathogenic (PMID: 23847193, 24029428, 25608561, 30377230). This suggests that this residue is clinically significant, and that variants that disrupt this residue are likely to be disease-causing. In summary, the available evidence is currently insufficient to determine the role of this variant in disease. Therefore, it has been classified as a Variant of Uncertain Significance.

Literature cited by the submitters: PubMed 23847193; PubMed 24029428; PubMed 25608561; PubMed 30377230.

NM_000064.4(C3):c.187C>T (p.Pro63Ser)

Gene: C3 (complement C3; minus strand). Cytogenetic location: 19p13.3.
Variant type: single nucleotide variant.
Coding change: c.187C>T on transcript NM_000064.4 (MANE Select); coding-DNA position 187, C replaced by T.
Protein change: p.Pro63Ser; replaces proline 63 with serine.
Molecular consequence: missense variant.
Genome position (GRCh38, 1-based): chr19:6,719,291, G>A on the plus strand (C>T on the coding strand, the complement: C3 is on the minus strand). VCF-style: chr19-6719291-G-A. GRCh37 (hg19) VCF-style: chr19-6719302-G-A.
Other names: short protein forms P63S.
Identifiers: ClinVar variation 1432505 (VCV001432505.6), dbSNP rs2145438093, ClinGen allele CA403646042.